The following is an entry in ClinVar:

ClinVar aggregate classification (germline): Uncertain significance (1 of 4 stars; one submission).

Submission:

GeneDx
Classification: Uncertain significance. Last evaluated: 2022-01-13. Review status: criteria provided, single submitter. Criteria: GeneDx Variant Classification Process June 2021. Collection method: clinical testing. Allele origin: germline. Affected: yes.
Comment: Not observed at significant frequency in large population cohorts (gnomAD); In-frame deletion of 3 amino acids in a non-repeat region; In silico analysis supports that this variant does not alter protein structure/function; Has not been previously published as pathogenic or benign to our knowledge

NM_001378328.1(CELSR1):c.17_25del (p.Pro6_Val8del)

Gene: CELSR1 (cadherin EGF LAG seven-pass G-type receptor 1; minus strand). Cytogenetic location: 22q13.31.
Variant type: Deletion.
Coding change: c.17_25del on transcript NM_001378328.1 (MANE Select); coding-DNA positions 17 to 25, 9 bases deleted (CGCCCGTGC; older notation c.17_25delCGCCCGTGC).
Protein change: p.Pro6_Val8del.
Molecular consequence: inframe deletion.
Genome position (GRCh38, 1-based): chr22:46,537,146-46,537,154, GCACGGGCG deleted on the plus strand (CGCCCGTGC on the coding strand, the reverse complement: CELSR1 is on the minus strand); deleting any 9 consecutive bases within chr22:46,537,146-46,537,156 gives the same sequence; the c. name uses the placement nearest the transcript's 3' end. VCF-style (leftmost placement, unchanged base first): chr22-46537145-AGCACGGGCG-A. GRCh37 (hg19) VCF-style: chr22-46933042-AGCACGGGCG-A.
Other names: c.17_25del, p.Pro6_Val8del (NM_014246.4).
Identifiers: ClinVar variation 1697170 (VCV001697170.2), dbSNP rs2080867947, ClinGen allele CA1026308061.
Genomic context (GRCh38, chr22:46,537,145, plus strand): 5'-GCCGCTCGCAGCCCCATCGCCGGCAGGGCGGCGGCGGCGGCCAGGAGCAGCAGCACGGGC[AGCACGGGCG>A]GCGGCGGCGGCGCCATGGCCCGGAGCCCGAGCCCGAGCCGGGCGCCCGAACACAATCCAT-3'